The following is an entry in ClinVar:

NM_001232.4(CASQ2):c.234+3A>G

Gene: CASQ2 (calsequestrin 2; minus strand). Cytogenetic location: 1p13.1.
Variant type: single nucleotide variant.
Coding change: c.234+3A>G on transcript NM_001232.4 (MANE Select); 3 bases into the intron after coding-DNA position 234, A replaced by G.
Molecular consequence: intron variant.
Genome position (GRCh38, 1-based): chr1:115,768,305, T>C on the plus strand (A>G on the coding strand, the complement: CASQ2 is on the minus strand). VCF-style: chr1-115768305-T-C. GRCh37 (hg19) VCF-style: chr1-116310926-T-C.
Identifiers: ClinVar variation 162819 (VCV000162819.13), dbSNP rs727502909, ClinGen allele CA175374.

ClinVar aggregate classification (germline): Uncertain significance. Review status: criteria provided, multiple submitters, no conflicts (2 of 4 stars). 4 submissions from 4 submitters: Uncertain significance (4). Last evaluated 2025-03-30.

Conditions:
Catecholaminergic polymorphic ventricular tachycardia 2. Also called: CASQ2-Related Catecholaminergic Polymorphic Ventricular Tachycardia; VENTRICULAR TACHYCARDIA, STRESS-INDUCED POLYMORPHIC 2. Identifiers: Orphanet 3286, MedGen C2677794, MONDO:0012762, OMIM 611938.
Catecholaminergic polymorphic ventricular tachycardia 1. Also called: RYR2-Related Catecholaminergic Polymorphic Ventricular Tachycardia; VENTRICULAR TACHYCARDIA, STRESS-INDUCED POLYMORPHIC 1; VENTRICULAR TACHYCARDIA, CATECHOLAMINERGIC POLYMORPHIC, 1, WITH OR WITHOUT ATRIAL DYSFUNCTION AND/OR DILATED CARDIOMYOPATHY. Identifiers: Orphanet 3286, MedGen C1631597, MONDO:0011484, OMIM 604772.

Allele frequency attached by ClinVar (database versions not stated): gnomAD exomes below 0.00001 and 0.00001; ExAC 0.00001; TOPMed 0.00002; gnomAD 0.00003.
gnomAD v4.1: 5 of 1,601,880 alleles (0.00031%); highest among the groups gnomAD compares: African/African-American, 0.0067%; no homozygotes.

Submissions (4):

Labcorp Genetics (formerly Invitae), Labcorp
Classification: Uncertain significance for Catecholaminergic polymorphic ventricular tachycardia 1. Last evaluated: 2025-03-30. Review status: criteria provided, single submitter. Criteria: Invitae Variant Classification Sherloc (09022015). Collection method: clinical testing. Allele origin: germline.
Comment: This sequence change falls in intron 1 of the CASQ2 gene. It does not directly change the encoded amino acid sequence of the CASQ2 protein. It affects a nucleotide within the consensus splice site. This variant is present in population databases (rs727502909, gnomAD 0.01%). This variant has been observed in individual(s) with clinical features of CASQ2-related disease (internal data). ClinVar contains an entry for this variant (Variation ID: 162819). Variants that disrupt the consensus splice site are a relatively common cause of aberrant splicing (PMID: 17576681, 9536098). Algorithms developed to predict the effect of sequence changes on RNA splicing suggest that this variant is not likely to affect RNA splicing. In summary, the available evidence is currently insufficient to determine the role of this variant in disease. Therefore, it has been classified as a Variant of Uncertain Significance.

Women's Health and Genetics/Laboratory Corporation of America, LabCorp
Classification: Uncertain significance. Last evaluated: 2023-12-17. Review status: criteria provided, single submitter. Criteria: LabCorp Variant Classification Summary - May 2015. Collection method: clinical testing. Allele origin: germline.

Genome-Nilou Lab
Classification: Uncertain significance for Catecholaminergic polymorphic ventricular tachycardia 2. Last evaluated: 2023-04-11. Review status: criteria provided, single submitter. Criteria: ACMG Guidelines, 2015. Collection method: clinical testing. Allele origin: germline. Affected: no.

Laboratory for Molecular Medicine, Mass General Brigham Personalized Medicine
Classification: Uncertain significance. Last evaluated: 2013-09-18. Review status: criteria provided, single submitter. Criteria: LMM Criteria. Collection method: clinical testing. Allele origin: germline. Observed: 1 variant allele.
Comment: The 234+3A>G variant in CASQ2 has not been previously reported in individuals wi th diseases associated with this gene or in large population studies. This varia nt is located in the 5' splice region. Computational tools do not suggest an imp act to splicing, though this information is not predictive enough to rule out pa thogenicity. Additional information is needed to fully assess the clinical signi ficance of this variant.

Literature cited by the submitters: PubMed 17576681 (cited by Labcorp Genetics (formerly Invitae), Labcorp); PubMed 9536098 (cited by Labcorp Genetics (formerly Invitae), Labcorp).